The following is an entry in ClinVar:

NM_001110556.2(FLNA):c.7710C>G (p.Ala2570=)

Genes: FLNA (filamin A; minus strand), LOC107988032 (Xq28 proximal FLNA-EMD recombination region; plus strand). Cytogenetic location: Xq28.
Variant type: single nucleotide variant.
Coding change: c.7710C>G on transcript NM_001110556.2 (MANE Select); coding-DNA position 7710, C replaced by G.
Protein change: p.Ala2570=; no amino-acid change (alanine 2570 retained).
Molecular consequence: synonymous variant.
Genome position (GRCh38, 1-based): chrX:154,349,408, G>C on the plus strand (C>G on the coding strand, the complement: FLNA is on the minus strand). VCF-style: chrX-154349408-G-C. GRCh37 (hg19) VCF-style: chrX-153577776-G-C.
Other names: c.7710C>G (NM_001110556.1); c.7686C>G (NM_001456.3); c.7686C>G, p.Ala2562= (NM_001456.4).
Identifiers: ClinVar variation 1164732 (VCV001164732.35), dbSNP rs782709737, ClinGen allele CA10559854.

ClinVar aggregate classification (germline): Benign/Likely benign. Review status: criteria provided, multiple submitters, no conflicts (2 of 4 stars). 5 submissions from 5 submitters: Benign (2); Likely benign (2). 1 of the submissions does not count toward it. Last evaluated 2026-01-21.

Conditions:
FLNA-related disorder.
Familial thoracic aortic aneurysm and aortic dissection (TAAD). Also called: Thoracic aortic aneurysms and dissections. Identifiers: Orphanet 91387, MedGen C4707243, MONDO:0019625.
Oto-palato-digital syndrome, type II (OPD2). Also called: Otopalatodigital Syndrome, Type II; FACIOPALATOOSSEOUS SYNDROME; Otopalatodigital Syndrome Type 2 (FLNA-OPD2); OPD II SYNDROME. Identifiers: Orphanet 669, Orphanet 90652, MedGen C1844696, MONDO:0010571, OMIM 304120.
Melnick-Needles syndrome (MNS). Also called: Melnick-Needles Syndrome (FLNA-MNS); MELNICK-NEEDLES OSTEODYSPLASTY; OSTEODYSPLASTY OF MELNICK AND NEEDLES. Identifiers: Orphanet 2484, MedGen C0025237, MONDO:0010650, OMIM 309350.
Heterotopia, periventricular, X-linked dominant (PVNH1). Also called: PERIVENTRICULAR NODULAR HETEROTOPIA 4; HETEROTOPIA, PERIVENTRICULAR, 1; X-linked periventricular heterotopia; PERIVENTRICULAR NODULAR HETEROTOPIA 1. Identifiers: Orphanet 2149, Orphanet 82004, MedGen C1848213, MONDO:0010233, OMIM 300049.
Frontometaphyseal dysplasia (FMD1). Identifiers: Orphanet 1826, MedGen C0265293, MONDO:0015942.

Allele frequency attached by ClinVar (database versions not stated): gnomAD 0.00001 and 0.00004; ExAC 0.00013; 1000 Genomes Project 0.00053; 1000 Genomes Project 30x 0.00062.

Submissions (5):

Labcorp Genetics (formerly Invitae), Labcorp
Classification: Benign for Oto-palato-digital syndrome, type II; Heterotopia, periventricular, X-linked dominant; Frontometaphyseal dysplasia; Melnick-Needles syndrome. Last evaluated: 2026-01-21. Review status: criteria provided, single submitter. Criteria: Invitae Variant Classification Sherloc (09022015). Collection method: clinical testing. Allele origin: germline.

Ambry Genetics
Classification: Likely benign for Familial thoracic aortic aneurysm and aortic dissection. Last evaluated: 2025-06-13. Review status: criteria provided, single submitter. Criteria: Ambry Variant Classification Scheme 2023. Collection method: clinical testing. Allele origin: germline.

Women's Health and Genetics/Laboratory Corporation of America, LabCorp
Classification: Benign. Last evaluated: 2025-04-17. Review status: criteria provided, single submitter. Criteria: LabCorp Variant Classification Summary - May 2015. Collection method: clinical testing. Allele origin: germline.

CeGaT Center for Human Genetics Tuebingen
Classification: Likely benign. Last evaluated: 2023-09-01. Review status: criteria provided, single submitter. Criteria: CeGaT Center For Human Genetics Tuebingen Variant Classification Criteria Version 2. Collection method: clinical testing. Allele origin: germline. Affected: yes. Observed: 1 variant allele.
Comment: FLNA: BP4, BP7, BS2

PreventionGenetics, part of Exact Sciences
Classification: Likely benign for FLNA-related condition. Last evaluated: 2020-07-29. Review status: no assertion criteria provided. Collection method: clinical testing. Allele origin: germline. Not counted in ClinVar's aggregate classification.
Comment: This variant is classified as likely benign based on ACMG/AMP sequence variant interpretation guidelines (Richards et al. 2015 PMID: 25741868, with internal and published modifications).